The following is an entry in ClinVar:

ClinVar aggregate classification (germline): Uncertain significance (1 of 4 stars; one submission).

Submission:

Labcorp Genetics (formerly Invitae), Labcorp
Classification: Uncertain significance. Last evaluated: 2023-08-30. Review status: criteria provided, single submitter. Criteria: Invitae Variant Classification Sherloc (09022015). Collection method: clinical testing. Allele origin: germline.
Comment: This sequence change falls in intron 19 of the KIAA1549 gene. It does not directly change the encoded amino acid sequence of the KIAA1549 protein. It affects a nucleotide within the consensus splice site. This variant is not present in population databases (gnomAD no frequency). In summary, the available evidence is currently insufficient to determine the role of this variant in disease. Therefore, it has been classified as a Variant of Uncertain Significance. Variants that disrupt the consensus splice site are a relatively common cause of aberrant splicing (PMID: 17576681, 9536098). Algorithms developed to predict the effect of sequence changes on RNA splicing suggest that this variant may disrupt the consensus splice site. ClinVar contains an entry for this variant (Variation ID: 2017574). This variant has not been reported in the literature in individuals affected with KIAA1549-related conditions.

Literature cited by the submitters: PubMed 17576681; PubMed 9536098.

NM_001164665.2(KIAA1549):c.5598+5G>A

Gene: KIAA1549 (KIAA1549; minus strand). Cytogenetic location: 7q34.
Variant type: single nucleotide variant.
Coding change: c.5598+5G>A on transcript NM_001164665.2 (MANE Select); 5 bases into the intron after coding-DNA position 5598, G replaced by A.
Molecular consequence: intron variant.
Genome position (GRCh38, 1-based): chr7:138,840,128, C>T on the plus strand (G>A on the coding strand, the complement: KIAA1549 is on the minus strand). VCF-style: chr7-138840128-C-T. GRCh37 (hg19) VCF-style: chr7-138524873-C-T.
Other names: c.5598+5G>A (NM_020910.3).
Identifiers: ClinVar variation 2017574 (VCV002017574.4), dbSNP rs2485427533, ClinGen allele CA2580077505.